The following is an entry in ClinVar:

ClinVar aggregate classification (germline): Conflicting classifications of pathogenicity. Review status: criteria provided, conflicting classifications (1 of 4 stars). 4 submissions from 4 submitters: Uncertain significance (3); Likely benign (1). Last evaluated 2023-12-05.

Conditions:
Hereditary breast ovarian cancer syndrome. Also called: Hereditary breast and ovarian cancer syndrome; Hereditary breast and ovarian cancer; Hereditary breast and ovarian cancer syndrome (HBOC); Breast and ovarian cancer; Hereditary breast and/or ovarian cancer syndrome; BRCA1- and BRCA2-Associated Hereditary Breast and Ovarian Cancer. Identifiers: Orphanet 145, MedGen C0677776, MeSH D061325, MONDO:0003582. Disease mechanism: loss of function.
Hereditary cancer-predisposing syndrome. Also called: Neoplastic Syndromes, Hereditary; Tumor predisposition; Hereditary Cancer Syndrome; Hereditary neoplastic syndrome. Identifiers: Orphanet 140162, MedGen C0027672, MeSH D009386, MONDO:0015356.

Submissions (4):

Color Diagnostics, LLC DBA Color Health
Classification: Uncertain significance for Hereditary cancer-predisposing syndrome. Last evaluated: 2023-12-05. Review status: criteria provided, single submitter. Criteria: ACMG Guidelines, 2015. Collection method: clinical testing. Allele origin: germline.
Comment: This missense variant replaces threonine with isoleucine at codon 2169 of the BRCA2 protein. Computational prediction is inconclusive regarding the impact of this variant on protein structure and function (internally defined REVEL score threshold 0.5 < inconclusive < 0.7, PMID: 27666373). To our knowledge, functional studies have not been reported for this variant. This variant has not been reported in individuals affected with BRCA2-related disorders in the literature. This variant has not been identified in the general population by the Genome Aggregation Database (gnomAD). The available evidence is insufficient to determine the role of this variant in disease conclusively. Therefore, this variant is classified as a Variant of Uncertain Significance.

University of Washington Department of Laboratory Medicine, University of Washington
Classification: Likely benign for Hereditary cancer-predisposing syndrome. Last evaluated: 2023-03-23. Review status: criteria provided, single submitter. Criteria: Dines et al. (Genet Med. 2020). Collection method: curation. Allele origin: germline.
Comment: Missense variant in a coldspot region where missense variants are very unlikely to be pathogenic (PMID:31911673).

BRCA2 exon 11 coldspot. Reclassification based on statistical prior probability.

Labcorp Genetics (formerly Invitae), Labcorp
Classification: Uncertain significance for Hereditary breast ovarian cancer syndrome. Last evaluated: 2019-11-16. Review status: criteria provided, single submitter. Criteria: Invitae Variant Classification Sherloc (09022015). Collection method: clinical testing. Allele origin: germline.
Comment: This variant is not present in population databases (ExAC no frequency). In summary, the available evidence is currently insufficient to determine the role of this variant in disease. Therefore, it has been classified as a Variant of Uncertain Significance. Algorithms developed to predict the effect of missense changes on protein structure and function are either unavailable or do not agree on the potential impact of this missense change (SIFT: "Deleterious"; PolyPhen-2: "Benign"; Align-GVGD: "Class C0"). This variant has not been reported in the literature in individuals with BRCA2-related conditions. ClinVar contains an entry for this variant (Variation ID: 482975). This sequence change replaces threonine with isoleucine at codon 2169 of the BRCA2 protein (p.Thr2169Ile). The threonine residue is weakly conserved and there is a moderate physicochemical difference between threonine and isoleucine.

Ambry Genetics
Classification: Uncertain significance for Hereditary cancer-predisposing syndrome. Last evaluated: 2018-10-09. Review status: criteria provided, single submitter. Criteria: Ambry Variant Classification Scheme 2023. Collection method: clinical testing. Allele origin: germline.
Comment: The p.T2169I variant (also known as c.6506C>T), located in coding exon 10 of the BRCA2 gene, results from a C to T substitution at nucleotide position 6506. The threonine at codon 2169 is replaced by isoleucine, an amino acid with similar properties. This amino acid position is not well conserved in available vertebrate species. In addition, the in silico prediction for this alteration is inconclusive. Since supporting evidence is limited at this time, the clinical significance of this alteration remains unclear.

NM_000059.4(BRCA2):c.6506C>T (p.Thr2169Ile)

Gene: BRCA2 (BRCA2 DNA repair associated; plus strand). Cytogenetic location: 13q13.1.
Variant type: single nucleotide variant.
Coding change: c.6506C>T on transcript NM_000059.4 (MANE Select); coding-DNA position 6506, C replaced by T.
Protein change: p.Thr2169Ile; replaces threonine 2169 with isoleucine.
Molecular consequence: missense variant.
Genome position (GRCh38, 1-based): chr13:32,340,861, C>T. VCF-style: chr13-32340861-C-T. GRCh37 (hg19) VCF-style: chr13-32914998-C-T.
Other names: short protein forms T2169I.
Identifiers: ClinVar variation 482975 (VCV000482975.22), dbSNP rs1555284726, ClinGen allele CA387789560.